The following is an entry in ClinVar:

ClinVar aggregate classification (germline): Uncertain significance. Review status: criteria provided, multiple submitters, no conflicts (2 of 4 stars). 4 submissions from 4 submitters: Uncertain significance (4). Last evaluated 2026-05-04.

Conditions:
Ehlers-Danlos syndrome, classic type, 1 (EDSCL1). Also called: EHLERS-DANLOS SYNDROME, GRAVIS TYPE; EHLERS-DANLOS SYNDROME, SEVERE CLASSIC TYPE; Ehlers-Danlos Syndrome, Classic Type, COL5A1-Related; EDS I; Ehlers-Danlos syndrome, type 1. Identifiers: MedGen C0268335, MONDO:0019567, OMIM 130000.
Familial thoracic aortic aneurysm and aortic dissection (TAAD). Also called: Thoracic aortic aneurysms and dissections. Identifiers: Orphanet 91387, MedGen C4707243, MONDO:0019625.

Allele frequency attached by ClinVar (database versions not stated): gnomAD 0.00002; gnomAD exomes below 0.00001; TOPMed 0.00001.
gnomAD v4.1: 5 of 1,290,156 alleles (0.00039%); highest among the groups gnomAD compares: Non-Finnish European, 0.00049%; no homozygotes.

Submissions (4):

Women's Health and Genetics/Laboratory Corporation of America, LabCorp
Classification: Uncertain significance. Last evaluated: 2026-05-04. Review status: criteria provided, single submitter. Criteria: LabCorp Variant Classification Summary - May 2015. Collection method: clinical testing. Allele origin: germline.
Comment: Variant summary: COL5A1 c.52C>T (p.Pro18Ser) results in a non-conservative amino acid change in the encoded protein sequence. Algorithms developed to predict the effect of missense changes on protein structure and function are either unavailable or do not agree on the potential impact of this missense change. The variant allele was found at a frequency of 3.9e-06 in 1285774 control chromosomes. The available data on variant occurrences in the general population are insufficient to allow any conclusion about variant significance. To our knowledge, no occurrence of c.52C>T in individuals affected with COL5A1-related conditions and no experimental evidence demonstrating its impact on protein function have been reported. ClinVar contains an entry for this variant (Variation ID: 409115). Based on the evidence outlined above, the variant was classified as uncertain significance.

Labcorp Genetics (formerly Invitae), Labcorp
Classification: Uncertain significance for Ehlers-Danlos syndrome, classic type, 1. Last evaluated: 2025-03-12. Review status: criteria provided, single submitter. Criteria: Invitae Variant Classification Sherloc (09022015). Collection method: clinical testing. Allele origin: germline.
Comment: This sequence change replaces proline, which is neutral and non-polar, with serine, which is neutral and polar, at codon 18 of the COL5A1 protein (p.Pro18Ser). This variant is not present in population databases (gnomAD no frequency). This variant has not been reported in the literature in individuals affected with COL5A1-related conditions. ClinVar contains an entry for this variant (Variation ID: 409115). Invitae Evidence Modeling of protein sequence and biophysical properties (such as structural, functional, and spatial information, amino acid conservation, physicochemical variation, residue mobility, and thermodynamic stability) indicates that this missense variant is not expected to disrupt COL5A1 protein function with a negative predictive value of 95%. In summary, the available evidence is currently insufficient to determine the role of this variant in disease. Therefore, it has been classified as a Variant of Uncertain Significance.

GeneDx
Classification: Uncertain significance. Last evaluated: 2022-01-27. Review status: criteria provided, single submitter. Criteria: GeneDx Variant Classification Process June 2021. Collection method: clinical testing. Allele origin: germline. Affected: yes.
Comment: Has not been previously published as pathogenic or benign to our knowledge; Not observed at significant frequency in large population cohorts (gnomAD); In silico analysis supports that this missense variant does not alter protein structure/function; Not located in the triple helical region, where the majority of pathogenic missense variants occur (Symoens et al., 2012; HGMD); Reported in ClinVar as a variant of uncertain significance (ClinVar Variant ID#409115)

Ambry Genetics
Classification: Uncertain significance for Familial thoracic aortic aneurysm and aortic dissection. Last evaluated: 2019-09-04. Review status: criteria provided, single submitter. Criteria: Ambry Variant Classification Scheme 2023. Collection method: clinical testing. Allele origin: germline.
Comment: The p.P18S variant (also known as c.52C>T), located in coding exon 1 of the COL5A1 gene, results from a C to T substitution at nucleotide position 52. The proline at codon 18 is replaced by serine, an amino acid with similar properties. This amino acid position is conserved on limited sequence alignment. In addition, this alteration is predicted to be tolerated by in silico analysis. Since supporting evidence is limited at this time, the clinical significance of this alteration remains unclear.

NM_000093.5(COL5A1):c.52C>T (p.Pro18Ser)

Gene: COL5A1 (collagen type V alpha 1 chain; plus strand). Cytogenetic location: 9q34.3.
Variant type: single nucleotide variant.
Coding change: c.52C>T on transcript NM_000093.5 (MANE Select); coding-DNA position 52, C replaced by T.
Protein change: p.Pro18Ser; replaces proline 18 with serine.
Molecular consequence: missense variant.
Genome position (GRCh38, 1-based): chr9:134,642,239, C>T. VCF-style: chr9-134642239-C-T. GRCh37 (hg19) VCF-style: chr9-137534085-C-T.
Other names: c.52C>T, p.Pro18Ser (NM_001278074.1); short protein forms P18S.
Identifiers: ClinVar variation 409115 (VCV000409115.54), dbSNP rs1060502260, ClinGen allele CA16612509.
Genomic context (GRCh38, chr9:134,642,239, plus strand): 5'-CCCGCCGGCATGGACGTCCATACCCGCTGGAAAGCGCGCAGCGCGCTCCGCCCGGGCGCC[C>T]CGCTGCTGCCCCCGCTGCTGCTGCTGCTGCTGTGGGCGCCGCCTCCGAGCCGCGCAGGTA-3'
Protein context (NP_000084.3, residues 8-28): KARSALRPGA[Pro18Ser]LLPPLLLLLL